The following is an entry in ClinVar:

NM_007294.4(BRCA1):c.814G>T (p.Glu272Ter)

Gene: BRCA1 (BRCA1 DNA repair associated; minus strand). Cytogenetic location: 17q21.31.
Variant type: single nucleotide variant.
Coding change: c.814G>T on transcript NM_007294.4 (MANE Select); coding-DNA position 814, G replaced by T.
Protein change: p.Glu272Ter; replaces glutamic acid 272 with a stop codon.
Molecular consequence: nonsense. On other transcripts: 5 prime UTR variant (2), intron variant (137).
Genome position (GRCh38, 1-based): chr17:43,094,717, C>A on the plus strand (G>T on the coding strand, the complement: BRCA1 is on the minus strand). VCF-style: chr17-43094717-C-A. GRCh37 (hg19) VCF-style: chr17-41246734-C-A.
Other names: 933G>T; c.601G>T, p.Glu201Ter (NM_001407571.1, NM_001407896.1, NM_001407897.1 and 9 more transcripts); c.814G>T, p.Glu272Ter (NM_001407581.1, NM_001407582.1, NM_001407598.1 and 30 more transcripts); c.811G>T, p.Glu271Ter (NM_001407610.1, NM_001407611.1, NM_001407612.1 and 22 more transcripts); c.805G>T, p.Glu269Ter (NM_001407646.1, NM_001407647.1); c.691G>T, p.Glu231Ter (NM_001407648.1, NM_001407666.1, NM_001407667.1 and 19 more transcripts); c.688G>T, p.Glu230Ter (NM_001407649.1, NM_001407670.1, NM_001407671.1 and 11 more transcripts); c.736G>T, p.Glu246Ter (NM_001407653.1, NM_001407654.1, NM_001407655.1 and 4 more transcripts); and 41 more; short protein forms E272*, E225*, E205*, E224*, E269*, E271*, E144*, E160*.
Identifiers: ClinVar variation 266581 (VCV000266581.17), dbSNP rs886040321, ClinGen allele CA10589992.

ClinVar aggregate classification (germline): Pathogenic. Review status: reviewed by expert panel (3 of 4 stars). 4 submissions from 4 submitters: Pathogenic (1). 3 of the submissions do not count toward it. Last evaluated 2016-10-18.

Conditions:
Hereditary cancer-predisposing syndrome. Also called: Hereditary Cancer Syndrome; Neoplastic Syndromes, Hereditary; Hereditary neoplastic syndrome; Tumor predisposition. Identifiers: Orphanet 140162, MedGen C0027672, MeSH D009386, MONDO:0015356.
Hereditary breast ovarian cancer syndrome. Also called: Hereditary breast and ovarian cancer syndrome (HBOC); Breast and ovarian cancer; Hereditary breast and ovarian cancer syndrome; Hereditary breast and ovarian cancer; BRCA1- and BRCA2-Associated Hereditary Breast and Ovarian Cancer; Hereditary breast and/or ovarian cancer syndrome. Identifiers: Orphanet 145, MedGen C0677776, MeSH D061325, MONDO:0003582. Disease mechanism: loss of function.
Breast-ovarian cancer, familial, susceptibility to, 1 (BROVCA1). Also called: BRCA1 Hereditary Breast and Ovarian Cancer; OVARIAN CANCER, SUSCEPTIBILITY TO. Identifiers: Orphanet 145, MedGen C2676676, MONDO:0011450, OMIM 604370. Disease mechanism: loss of function.

Submissions (4):

Evidence-based Network for the Interpretation of Germline Mutant Alleles (ENIGMA)
Classification: Pathogenic for Breast-ovarian cancer, familial, susceptibility to, 1. Last evaluated: 2016-10-18. Review status: reviewed by expert panel. Criteria: ENIGMA BRCA1/2 Classification Criteria (2015). Collection method: curation. Allele origin: germline.
Comment: Variant allele predicted to encode a truncated non-functional protein.

Labcorp Genetics (formerly Invitae), Labcorp
Classification: Pathogenic for Hereditary breast ovarian cancer syndrome. Last evaluated: 2020-06-28. Review status: criteria provided, single submitter. Criteria: Invitae Variant Classification Sherloc (09022015). Collection method: clinical testing. Allele origin: germline. Not counted in ClinVar's aggregate classification.
Comment: For these reasons, this variant has been classified as Pathogenic. Loss-of-function variants in BRCA1 are known to be pathogenic (PMID: 20104584). This variant has been observed in individual(s) with features of hereditary breast and/or ovarian cancer syndrome (PMID: 29446198). ClinVar contains an entry for this variant (Variation ID: 266581). This variant is not present in population databases (ExAC no frequency). This sequence change creates a premature translational stop signal (p.Glu272*) in the BRCA1 gene. It is expected to result in an absent or disrupted protein product.

Ambry Genetics
Classification: Pathogenic for Hereditary cancer-predisposing syndrome. Last evaluated: 2019-01-03. Review status: criteria provided, single submitter. Criteria: Ambry Variant Classification Scheme 2023. Collection method: clinical testing. Allele origin: germline. Not counted in ClinVar's aggregate classification.
Comment: The p.E272* pathogenic mutation (also known as c.814G>T), located in coding exon 9 of the BRCA1 gene, results from a G to T substitution at nucleotide position 814. This changes the amino acid from a glutamic acid to a stop codon within coding exon 9. This alteration is expected to result in loss of function by premature protein truncation or nonsense-mediated mRNA decay. As such, this alteration is interpreted as a disease-causing mutation.

Consortium of Investigators of Modifiers of BRCA1/2 (CIMBA), c/o University of Cambridge
Classification: Pathogenic for Breast-ovarian cancer, familial, susceptibility to, 1. Last evaluated: 2015-10-02. Review status: criteria provided, single submitter. Criteria: CIMBA Mutation Classification guidelines May 2016. Collection method: clinical testing. Allele origin: germline. Not counted in ClinVar's aggregate classification.

Literature cited by the submitters: PubMed 20104584 (cited by Labcorp Genetics (formerly Invitae), Labcorp); PubMed 29446198 (cited by Labcorp Genetics (formerly Invitae), Labcorp).